The following is an entry in ClinVar:

NM_001110556.2(FLNA):c.7794G>A (p.Arg2598=)

Genes: FLNA (filamin A; minus strand), LOC107988032 (Xq28 proximal FLNA-EMD recombination region; plus strand). Cytogenetic location: Xq28.
Variant type: single nucleotide variant.
Coding change: c.7794G>A on transcript NM_001110556.2 (MANE Select); coding-DNA position 7794, G replaced by A.
Protein change: p.Arg2598=; no amino-acid change (arginine 2598 retained).
Molecular consequence: synonymous variant.
Genome position (GRCh38, 1-based): chrX:154,348,999, C>T on the plus strand (G>A on the coding strand, the complement: FLNA is on the minus strand). VCF-style: chrX-154348999-C-T. GRCh37 (hg19) VCF-style: chrX-153577367-C-T.
Other names: c.7770G>A, p.Arg2590= (NM_001456.4).
Identifiers: ClinVar variation 197562 (VCV000197562.21), dbSNP rs782372740, ClinGen allele CA245806.

ClinVar aggregate classification (germline): Conflicting classifications of pathogenicity. Review status: criteria provided, conflicting classifications (1 of 4 stars). 4 submissions from 4 submitters: Uncertain significance (1); Likely benign (3). Last evaluated 2025-05-01.

Conditions:
Melnick-Needles syndrome (MNS). Also called: MELNICK-NEEDLES OSTEODYSPLASTY; OSTEODYSPLASTY OF MELNICK AND NEEDLES; Melnick-Needles Syndrome (FLNA-MNS). Identifiers: Orphanet 2484, MedGen C0025237, MONDO:0010650, OMIM 309350.
Heterotopia, periventricular, X-linked dominant (PVNH1). Also called: PERIVENTRICULAR NODULAR HETEROTOPIA 4; HETEROTOPIA, PERIVENTRICULAR, 1; X-linked periventricular heterotopia; PERIVENTRICULAR NODULAR HETEROTOPIA 1. Identifiers: Orphanet 2149, Orphanet 82004, MedGen C1848213, MONDO:0010233, OMIM 300049.
Frontometaphyseal dysplasia (FMD1). Identifiers: Orphanet 1826, MedGen C0265293, MONDO:0015942.
Oto-palato-digital syndrome, type II (OPD2). Also called: FACIOPALATOOSSEOUS SYNDROME; Otopalatodigital Syndrome, Type II; OPD II SYNDROME; Otopalatodigital Syndrome Type 2 (FLNA-OPD2). Identifiers: Orphanet 669, Orphanet 90652, MedGen C1844696, MONDO:0010571, OMIM 304120.
Familial thoracic aortic aneurysm and aortic dissection (TAAD). Also called: Thoracic aortic aneurysms and dissections. Identifiers: Orphanet 91387, MedGen C4707243, MONDO:0019625.

Allele frequency attached by ClinVar (database versions not stated): ExAC 0.00001; gnomAD exomes 0.00001 and 0.00002.
gnomAD v4.1: 11 of 1,211,253 alleles (0.00091%); highest among the groups gnomAD compares: Non-Finnish European, 0.0012%; no homozygotes.

Submissions (4):

CeGaT Center for Human Genetics Tuebingen
Classification: Likely benign. Last evaluated: 2025-05-01. Review status: criteria provided, single submitter. Criteria: CeGaT Center For Human Genetics Tuebingen Variant Classification Criteria Version 2. Collection method: clinical testing. Allele origin: germline. Affected: yes. Observed: 1 variant allele.
Comment: FLNA: BP4, BP7, BS2

Labcorp Genetics (formerly Invitae), Labcorp
Classification: Likely benign for Oto-palato-digital syndrome, type II; Heterotopia, periventricular, X-linked dominant; Frontometaphyseal dysplasia; Melnick-Needles syndrome. Last evaluated: 2023-12-21. Review status: criteria provided, single submitter. Criteria: Invitae Variant Classification Sherloc (09022015). Collection method: clinical testing. Allele origin: germline.

Ambry Genetics
Classification: Likely benign for Familial thoracic aortic aneurysm and aortic dissection. Last evaluated: 2019-06-16. Review status: criteria provided, single submitter. Criteria: Ambry Variant Classification Scheme 2023. Collection method: clinical testing. Allele origin: germline.

Eurofins Ntd Llc (ga)
Classification: Uncertain significance. Last evaluated: 2015-01-02. Review status: criteria provided, single submitter. Criteria: EGL Classification Definitions 2015. Collection method: clinical testing. Allele origin: germline. Observed: 1 variant allele, 1 hemizygote.